The following is an entry in ClinVar:

NM_018557.3(LRP1B):c.5500+5A>G

Gene: LRP1B (LDL receptor related protein 1B; minus strand). Cytogenetic location: 2q22.1.
Variant type: single nucleotide variant.
Coding change: c.5500+5A>G on transcript NM_018557.3 (MANE Select); 5 bases into the intron after coding-DNA position 5500, A replaced by G.
Molecular consequence: intron variant.
Genome position (GRCh38, 1-based): chr2:140,776,093, T>C on the plus strand (A>G on the coding strand, the complement: LRP1B is on the minus strand). VCF-style: chr2-140776093-T-C. GRCh37 (hg19) VCF-style: chr2-141533662-T-C.
Identifiers: ClinVar variation 3060361 (VCV003060361.2), dbSNP rs996361, ClinGen allele CA1894900.

ClinVar aggregate classification (germline): Benign (0 of 4 stars; one submission).

Conditions:
LRP1B-related disorder. Also called: LRP1B-related condition.

Allele frequency attached by ClinVar (database versions not stated): ESP Exome Variant Server 0.83838; TOPMed 0.84859; 1000 Genomes Project 30x 0.84994; gnomAD 0.85328; 1000 Genomes Project 0.85523; ExAC 0.87319; gnomAD exomes 0.87615.
gnomAD v4.1: 1,356,951 of 1,553,362 alleles (87%); highest among the groups gnomAD compares: East Asian, 100%; 594,203 homozygotes.

Submission:

PreventionGenetics, part of Exact Sciences
Classification: Benign for LRP1B-related condition. Last evaluated: 2019-10-17. Review status: no assertion criteria provided. Collection method: clinical testing. Allele origin: germline.
Comment: This variant is classified as benign based on ACMG/AMP sequence variant interpretation guidelines (Richards et al. 2015 PMID: 25741868, with internal and published modifications).